The following is an entry in ClinVar:

NM_177438.3(DICER1):c.4374G>A (p.Met1458Ile)

Gene: DICER1 (dicer 1, ribonuclease III; minus strand). Cytogenetic location: 14q32.13.
Variant type: single nucleotide variant.
Coding change: c.4374G>A on transcript NM_177438.3 (MANE Select); coding-DNA position 4374, G replaced by A.
Protein change: p.Met1458Ile; replaces methionine 1458 with isoleucine.
Molecular consequence: missense variant.
Genome position (GRCh38, 1-based): chr14:95,096,546, C>T on the plus strand (G>A on the coding strand, the complement: DICER1 is on the minus strand). VCF-style: chr14-95096546-C-T. GRCh37 (hg19) VCF-style: chr14-95562883-C-T.
Other names: c.4374G>A, p.Met1458Ile (NM_001195573.1, NM_001271282.3, NM_001291628.2 and 1 more transcripts); short protein forms M1458I.
Identifiers: ClinVar variation 660437 (VCV000660437.19), dbSNP rs1488281692, ClinGen allele CA390868983.

ClinVar aggregate classification (germline): Uncertain significance. Review status: criteria provided, multiple submitters, no conflicts (2 of 4 stars). 4 submissions from 4 submitters: Uncertain significance (4). Last evaluated 2025-06-11.

Conditions:
DICER1-related tumor predisposition. Also called: DICER1 syndrome; DICER1-related pleuropulmonary blastoma cancer predisposition syndrome. Identifiers: Orphanet 284343, MedGen C3839822, MONDO:0100216.
Pleuropulmonary blastoma (PPB). Identifiers: Orphanet 64742, MedGen C1266144, MONDO:0011014, OMIM 601200, HP:0100528.
Hereditary cancer-predisposing syndrome. Also called: Neoplastic Syndromes, Hereditary; Hereditary neoplastic syndrome; Tumor predisposition; Hereditary Cancer Syndrome. Identifiers: Orphanet 140162, MedGen C0027672, MeSH D009386, MONDO:0015356.
Global developmental delay - lung cysts - overgrowth - Wilms tumor syndrome. Also called: GLOW Syndrome; GLOBAL DEVELOPMENTAL DELAY, LUNG CYSTS, OVERGROWTH, AND WILMS TUMOR. Identifiers: Orphanet 404476, MedGen C4748924, MONDO:0018445, OMIM 618272.

Allele frequency attached by ClinVar (database versions not stated): gnomAD exomes below 0.00001.

Submissions (4):

Labcorp Genetics (formerly Invitae), Labcorp
Classification: Uncertain significance for DICER1-related tumor predisposition. Last evaluated: 2025-06-11. Review status: criteria provided, single submitter. Criteria: Invitae Variant Classification Sherloc (09022015). Collection method: clinical testing. Allele origin: germline.
Comment: This sequence change replaces methionine, which is neutral and non-polar, with isoleucine, which is neutral and non-polar, at codon 1458 of the DICER1 protein (p.Met1458Ile). This variant is not present in population databases (gnomAD no frequency). This variant has not been reported in the literature in individuals affected with DICER1-related conditions. ClinVar contains an entry for this variant (Variation ID: 660437). Invitae Evidence Modeling of protein sequence and biophysical properties (such as structural, functional, and spatial information, amino acid conservation, physicochemical variation, residue mobility, and thermodynamic stability) indicates that this missense variant is not expected to disrupt DICER1 protein function with a negative predictive value of 95%. In summary, the available evidence is currently insufficient to determine the role of this variant in disease. Therefore, it has been classified as a Variant of Uncertain Significance.

Ambry Genetics
Classification: Uncertain significance for Hereditary cancer-predisposing syndrome. Last evaluated: 2024-05-02. Review status: criteria provided, single submitter. Criteria: Ambry Variant Classification Scheme 2023. Collection method: clinical testing. Allele origin: germline.
Comment: The p.M1458I variant (also known as c.4374G>A), located in coding exon 22 of the DICER1 gene, results from a G to A substitution at nucleotide position 4374. The methionine at codon 1458 is replaced by isoleucine, an amino acid with highly similar properties. This amino acid position is well conserved in available vertebrate species. In addition, the in silico prediction for this alteration is inconclusive. Since supporting evidence is limited at this time, the clinical significance of this alteration remains unclear.

Baylor Genetics
Classification: Uncertain significance for Global developmental delay - lung cysts - overgrowth - Wilms tumor syndrome. Last evaluated: 2023-08-21. Review status: criteria provided, single submitter. Criteria: ACMG Guidelines, 2015. Collection method: clinical testing. Allele origin: unknown.

St. Jude Molecular Pathology, St. Jude Children's Research Hospital
Classification: Uncertain significance for Pleuropulmonary blastoma. Last evaluated: 2022-08-30. Review status: criteria provided, single submitter. Criteria: St. Jude Assertion Criteria 2020. Collection method: clinical testing. Allele origin: germline.
Comment: The DICER1 c.4374G>A (p.Met1458Ile) missense change is absent in gnomAD v2.1.1. The in silico tool REVEL predicts a benign effect on protein function and no splicing effects are predicted, but to our knowledge these predictions have not been confirmed by functional studies. To our knowledge, this variant has not been reported in individuals with DICER1 syndrome. In summary, the evidence currently available is insufficient to determine the clinical significance of this variant. It has therefore been classified as of uncertain significance.